The following is an entry in ClinVar:

ClinVar aggregate classification (germline): Uncertain significance (1 of 4 stars; one submission).

Submission:

CeGaT Center for Human Genetics Tuebingen
Classification: Uncertain significance. Last evaluated: 2025-05-01. Review status: criteria provided, single submitter. Criteria: CeGaT Center For Human Genetics Tuebingen Variant Classification Criteria Version 2. Collection method: clinical testing. Allele origin: germline. Affected: yes. Observed: 1 variant allele.
Comment: FOXP3: PM2

NM_014009.4(FOXP3):c.1116C>T (p.Ala372=)

Gene: FOXP3 (forkhead box P3; minus strand). Cytogenetic location: Xp11.23.
Variant type: single nucleotide variant.
Coding change: c.1116C>T on transcript NM_014009.4 (MANE Select); coding-DNA position 1116, C replaced by T.
Protein change: p.Ala372=; no amino-acid change (alanine 372 retained).
Molecular consequence: synonymous variant.
Genome position (GRCh38, 1-based): chrX:49,251,694, G>A on the plus strand (C>T on the coding strand, the complement: FOXP3 is on the minus strand). VCF-style: chrX-49251694-G-A. GRCh37 (hg19) VCF-style: chrX-49108155-G-A.
Other names: c.1011C>T, p.Ala337= (NM_001114377.2).
Identifiers: ClinVar variation 3905399 (VCV003905399.10).